The following is an entry in ClinVar:

NM_198253.3(TERT):c.124G>C (p.Gly42Arg)

Genes: TERT (telomerase reverse transcriptase; minus strand), LOC110806263 (TERT 5' regulatory region; plus strand). Cytogenetic location: 5p15.33.
Variant type: single nucleotide variant.
Coding change: c.124G>C on transcript NM_198253.3 (MANE Select); coding-DNA position 124, G replaced by C.
Protein change: p.Gly42Arg; replaces glycine 42 with arginine.
Molecular consequence: missense variant. On other transcripts: non-coding transcript variant (2).
Genome position (GRCh38, 1-based): chr5:1,294,866, C>G on the plus strand (G>C on the coding strand, the complement: TERT is on the minus strand). VCF-style: chr5-1294866-C-G. GRCh37 (hg19) VCF-style: chr5-1294981-C-G.
Other names: c.124G>C (NM_198253.2); c.124G>C, p.Gly42Arg (NM_001193376.3); short protein forms G42R.
Identifiers: ClinVar variation 1390895 (VCV001390895.10), dbSNP rs1751293669, ClinGen allele CA359059184.

ClinVar aggregate classification (germline): Uncertain significance. Review status: criteria provided, multiple submitters, no conflicts (2 of 4 stars). 3 submissions from 3 submitters: Uncertain significance (3). Last evaluated 2026-06-02.

Conditions:
Dyskeratosis congenita, autosomal dominant 2. Identifiers: MedGen C3151443, MONDO:0013521, OMIM 613989.
Idiopathic Pulmonary Fibrosis. Also called: Idiopathic fibrosing alveolitis, chronic form; idiopathic fibrosing alveolitis. Identifiers: Orphanet 2032, MedGen C1800706, MeSH D054990, MONDO:0800504.
Aplastic anemia. Identifiers: Orphanet 182040, Orphanet 88, MedGen C0002874, MONDO:0015909, OMIM 609135, HP:0001915.
Dyskeratosis congenita, autosomal dominant 1 (DKCA1). Also called: Dyskeratosis congenita Scoggins type. Identifiers: Orphanet 1775, MedGen C4551974, MONDO:0007485, OMIM 127550. Inheritance: Variable.
Melanoma, cutaneous malignant, susceptibility to, 9. Also called: Cutaneous malignant melanoma 9. Identifiers: Orphanet 618, MedGen C3554574, MONDO:0014056, OMIM 615134.
Pulmonary fibrosis and/or bone marrow failure, Telomere-related, 1. Also called: PULMONARY FIBROSIS AND/OR BONE MARROW FAILURE SYNDROME, TELOMERE-RELATED, 1. Identifiers: Orphanet 88, MedGen C3553617, MONDO:0013878, OMIM 614742.
Interstitial lung disease 2 (ILD2). Also called: Familial idiopathic pulmonary fibrosis; FIBROCYSTIC PULMONARY DYSPLASIA; FIBROSING ALVEOLITIS, CRYPTOGENIC. Identifiers: Orphanet 2032, Orphanet 79126, MedGen C5561926, MONDO:0800497, OMIM 178500, MONDO:0800029.
Acute myeloid leukemia (AML). Also called: Leukemia, acute myeloid, somatic; Leukemia, acute myelogenous, somatic; Acute myeloid leukemia, adult; AML adult; Acute non-lymphocytic leukemia; Acute granulocytic leukemia. Identifiers: Orphanet 519, MedGen C0023467, MeSH D015470, MONDO:0018874, OMIM 601626, HP:0004808. Disease mechanism: Constitutively activated FLT3.
Dyskeratosis congenita. Identifiers: Orphanet 1775, MedGen C0265965, MONDO:0015780.

Allele frequency attached by ClinVar (database versions not stated): gnomAD exomes below 0.00001.
gnomAD v4.1: 3 of 1,447,252 alleles (0.00021%); highest among the groups gnomAD compares: Non-Finnish European, 0.00018%; no homozygotes.

Submissions (3):

Ambry Genetics
Classification: Uncertain significance for Dyskeratosis congenita. Last evaluated: 2026-06-02. Review status: criteria provided, single submitter. Criteria: Ambry Variant Classification Scheme 2023. Collection method: clinical testing. Allele origin: germline.
Comment: The p.G42R variant (also known as c.124G>C), located in coding exon 1 of the TERT gene, results from a G to C substitution at nucleotide position 124. The glycine at codon 42 is replaced by arginine, an amino acid with dissimilar properties. This amino acid position is well conserved in available vertebrate species. In addition, the in silico prediction for this alteration is inconclusive. Based on the available evidence, the clinical significance of this variant remains unclear.

Labcorp Genetics (formerly Invitae), Labcorp
Classification: Uncertain significance for Dyskeratosis congenita, autosomal dominant 2; Idiopathic Pulmonary Fibrosis. Last evaluated: 2025-10-06. Review status: criteria provided, single submitter. Criteria: Invitae Variant Classification Sherloc (09022015). Collection method: clinical testing. Allele origin: germline.
Comment: This sequence change replaces glycine, which is neutral and non-polar, with arginine, which is basic and polar, at codon 42 of the TERT protein (p.Gly42Arg). This variant is not present in population databases (gnomAD no frequency). This variant has not been reported in the literature in individuals affected with TERT-related conditions. ClinVar contains an entry for this variant (Variation ID: 1390895). Invitae Evidence Modeling of protein sequence and biophysical properties (such as structural, functional, and spatial information, amino acid conservation, physicochemical variation, residue mobility, and thermodynamic stability) indicates that this missense variant is expected to disrupt TERT protein function with a positive predictive value of 95%. In summary, the available evidence is currently insufficient to determine the role of this variant in disease. Therefore, it has been classified as a Variant of Uncertain Significance.

Fulgent Genetics
Classification: Uncertain significance for Dyskeratosis congenita, autosomal dominant 1; Interstitial lung disease 2; Acute myeloid leukemia; Aplastic anemia; Dyskeratosis congenita, autosomal dominant 2; Pulmonary fibrosis and/or bone marrow failure, Telomere-related, 1; Melanoma, cutaneous malignant, susceptibility to, 9. Last evaluated: 2022-05-16. Review status: criteria provided, single submitter. Criteria: ACMG Guidelines, 2015. Collection method: clinical testing. Allele origin: unknown.